The following is an entry in ClinVar:

ClinVar aggregate classification (germline): Likely benign. Review status: criteria provided, multiple submitters, no conflicts (2 of 4 stars). 3 submissions from 3 submitters: Likely benign (3). Last evaluated 2025-08-05.

Conditions:
Arterial tortuosity syndrome (ATORS). Identifiers: Orphanet 3342, MedGen C1859726, MONDO:0008818, OMIM 208050.
Familial thoracic aortic aneurysm and aortic dissection (TAAD). Also called: Thoracic aortic aneurysms and dissections. Identifiers: Orphanet 91387, MedGen C4707243, MONDO:0019625.

Allele frequency attached by ClinVar (database versions not stated): ExAC 0.00001; gnomAD 0.00008 and 0.00009; TOPMed 0.00008; 1000 Genomes Project 0.00020; 1000 Genomes Project 30x 0.00031.
gnomAD v4.1: 22 of 1,614,176 alleles (0.0014%); highest among the groups gnomAD compares: African/African-American, 0.023%; no homozygotes.

Submissions (3):

Mayo Clinic Laboratories, Mayo Clinic
Classification: Likely benign. Last evaluated: 2025-08-05. Review status: criteria provided, single submitter. Criteria: ACMG Guidelines, 2015. Collection method: clinical testing. Allele origin: germline. Observed: 1 variant allele.
Comment: BP4, BP7

Labcorp Genetics (formerly Invitae), Labcorp
Classification: Likely benign for Arterial tortuosity syndrome. Last evaluated: 2025-03-15. Review status: criteria provided, single submitter. Criteria: Invitae Variant Classification Sherloc (09022015). Collection method: clinical testing. Allele origin: germline.

Ambry Genetics
Classification: Likely benign for Familial thoracic aortic aneurysm and aortic dissection. Last evaluated: 2022-11-15. Review status: criteria provided, single submitter. Criteria: Ambry Variant Classification Scheme 2023. Collection method: clinical testing. Allele origin: germline.

NM_030777.4(SLC2A10):c.1344C>T (p.Phe448=)

Gene: SLC2A10 (solute carrier family 2 member 10; plus strand). Cytogenetic location: 20q13.12.
Variant type: single nucleotide variant.
Coding change: c.1344C>T on transcript NM_030777.4 (MANE Select); coding-DNA position 1344, C replaced by T.
Protein change: p.Phe448=; no amino-acid change (phenylalanine 448 retained).
Molecular consequence: synonymous variant.
Genome position (GRCh38, 1-based): chr20:46,726,919, C>T. VCF-style: chr20-46726919-C-T. GRCh37 (hg19) VCF-style: chr20-45355558-C-T.
Other names: p.Phe448=.
Identifiers: ClinVar variation 697510 (VCV000697510.11), dbSNP rs553831434, ClinGen allele CA9892171.